The following is an entry in ClinVar:

NM_000051.4(ATM):c.1128A>T (p.Glu376Asp)

Gene: ATM (ATM serine/threonine kinase; plus strand). Cytogenetic location: 11q22.3.
Variant type: single nucleotide variant.
Coding change: c.1128A>T on transcript NM_000051.4 (MANE Select); coding-DNA position 1128, A replaced by T.
Protein change: p.Glu376Asp; replaces glutamic acid 376 with aspartic acid.
Molecular consequence: missense variant.
Genome position (GRCh38, 1-based): chr11:108,248,995, A>T. VCF-style: chr11-108248995-A-T. GRCh37 (hg19) VCF-style: chr11-108119722-A-T.
Other names: c.1128A>T, p.Glu376Asp (NM_001351834.2); short protein forms E376D.
Identifiers: ClinVar variation 4747170 (VCV004747170.2).

ClinVar aggregate classification (germline): Conflicting classifications of pathogenicity. Review status: criteria provided, conflicting classifications (1 of 4 stars). 2 submissions from 2 submitters: Uncertain significance (1); Likely benign (1). Last evaluated 2026-01-27.

Conditions:
Ataxia-telangiectasia syndrome (AT). Also called: Ataxia-telangiectasia, complementation group D; AT, COMPLEMENTATION GROUP C; ATAXIA-TELANGIECTASIA, COMPLEMENTATION GROUP A; ATAXIA-TELANGIECTASIA, FRESNO VARIANT; Ataxia-telangiectasia; Ataxia telangiectasia (A-T). Identifiers: Orphanet 100, MedGen C0004135, MONDO:0008840, OMIM 208900.
Hereditary cancer-predisposing syndrome. Also called: Neoplastic Syndromes, Hereditary; Hereditary neoplastic syndrome; Tumor predisposition; Hereditary Cancer Syndrome. Identifiers: Orphanet 140162, MedGen C0027672, MeSH D009386, MONDO:0015356.

Submissions (2):

Ambry Genetics
Classification: Likely benign for Hereditary cancer-predisposing syndrome. Last evaluated: 2026-01-27. Review status: criteria provided, single submitter. Criteria: Ambry Variant Classification Scheme 2023. Collection method: clinical testing. Allele origin: germline.

Labcorp Genetics (formerly Invitae), Labcorp
Classification: Uncertain significance for Ataxia-telangiectasia syndrome. Last evaluated: 2026-01-13. Review status: criteria provided, single submitter. Criteria: Invitae Variant Classification Sherloc (09022015). Collection method: clinical testing. Allele origin: germline.
Comment: This sequence change replaces glutamic acid, which is acidic and polar, with aspartic acid, which is acidic and polar, at codon 376 of the ATM protein (p.Glu376Asp). This variant is not present in population databases (gnomAD no frequency). This variant has not been reported in the literature in individuals affected with ATM-related conditions. Invitae Evidence Modeling of protein sequence and biophysical properties (such as structural, functional, and spatial information, amino acid conservation, physicochemical variation, residue mobility, and thermodynamic stability) indicates that this missense variant is not expected to disrupt ATM protein function with a negative predictive value of 95%. In summary, the available evidence is currently insufficient to determine the role of this variant in disease. Therefore, it has been classified as a Variant of Uncertain Significance.